The following is an entry in ClinVar:

NM_004360.5(CDH1):c.1583A>C (p.Asp528Ala)

Gene: CDH1 (cadherin 1; plus strand). Cytogenetic location: 16q22.1.
Variant type: single nucleotide variant.
Coding change: c.1583A>C on transcript NM_004360.5 (MANE Select); coding-DNA position 1583, A replaced by C.
Protein change: p.Asp528Ala; replaces aspartic acid 528 with alanine.
Molecular consequence: missense variant. On other transcripts: intron variant (1).
Genome position (GRCh38, 1-based): chr16:68,819,297, A>C. VCF-style: chr16-68819297-A-C. GRCh37 (hg19) VCF-style: chr16-68853200-A-C.
Other names: c.1400A>C, p.Asp467Ala (NM_001317184.2); c.35A>C, p.Asp12Ala (NM_001317185.2); c.-254-2704A>C (NM_001317186.2); short protein forms D467A, D528A, D12A.
Identifiers: ClinVar variation 2567617 (VCV002567617.2), dbSNP rs2152136769, ClinGen allele CA396464877.

ClinVar aggregate classification (germline): Uncertain significance (1 of 4 stars; one submission).

Conditions:
Hereditary cancer-predisposing syndrome. Also called: Hereditary neoplastic syndrome; Hereditary Cancer Syndrome; Neoplastic Syndromes, Hereditary; Tumor predisposition. Identifiers: Orphanet 140162, MedGen C0027672, MeSH D009386, MONDO:0015356.

Submission:

Ambry Genetics
Classification: Uncertain significance for Hereditary cancer-predisposing syndrome. Last evaluated: 2023-05-14. Review status: criteria provided, single submitter. Criteria: Ambry Variant Classification Scheme 2023. Collection method: clinical testing. Allele origin: germline.
Comment: The p.D528A variant (also known as c.1583A>C), located in coding exon 11 of the CDH1 gene, results from an A to C substitution at nucleotide position 1583. The aspartic acid at codon 528 is replaced by alanine, an amino acid with dissimilar properties. This amino acid position is conserved. In addition, this alteration is predicted to be deleterious by in silico analysis. Since supporting evidence is limited at this time, the clinical significance of this alteration remains unclear.